The following is an entry in ClinVar:

ClinVar aggregate classification (germline): Uncertain significance. Review status: criteria provided, multiple submitters, no conflicts (2 of 4 stars). 2 submissions from 2 submitters: Uncertain significance (2). Last evaluated 2026-03-26.

Submissions (2):

GeneDx
Classification: Uncertain significance. Last evaluated: 2026-03-26. Review status: criteria provided, single submitter. Criteria: GeneDx Variant Classification Process June 2021. Collection method: clinical testing. Allele origin: germline.
Comment: In silico analysis supports that this missense variant has a deleterious effect on protein structure/function; Has not been previously published as pathogenic or benign to our knowledge

Ambry Genetics
Classification: Uncertain significance. Last evaluated: 2025-09-28. Review status: criteria provided, single submitter. Criteria: Ambry Variant Classification Scheme 2023. Collection method: clinical testing. Allele origin: germline.

NM_001013663.2(PTRHD1):c.334C>T (p.Pro112Ser)

Gene: PTRHD1 (peptidyl-tRNA hydrolase domain containing 1; minus strand). Cytogenetic location: 2p23.3.
Variant type: single nucleotide variant.
Coding change: c.334C>T on transcript NM_001013663.2 (MANE Select); coding-DNA position 334, C replaced by T.
Protein change: p.Pro112Ser; replaces proline 112 with serine.
Molecular consequence: missense variant.
Genome position (GRCh38, 1-based): chr2:24,790,500, G>A on the plus strand (C>T on the coding strand, the complement: PTRHD1 is on the minus strand). VCF-style: chr2-24790500-G-A. GRCh37 (hg19) VCF-style: chr2-25013369-G-A.
Other names: short protein forms P112S.
Identifiers: ClinVar variation 4574333 (VCV004574333.2).
Genomic context (GRCh38, chr2:24,790,500, plus strand): 5'-ACTGGCCCACTTCTTCCTTGGGGTAGGGCCGGAGAGCAATACAAGTGGCGATATTCTCTG[G>A]TTGCTCAAGCCACAGCATGTGGTCAATGTTCTTCTGTTGCAGGGTCTCGGCCAGCTCCTT-3'
Protein context (NP_001013685.1, residues 102-122): NIDHMLWLEQ[Pro112Ser]ENIATCIALR